The following is an entry in ClinVar:

ClinVar aggregate classification (germline): Pathogenic (1 of 4 stars; one submission).

Conditions:
Ehlers-Danlos syndrome, type 4 (EDSVASC). Also called: Ehlers-Danlos syndrome vascular type; Ehlers Danlos syndrome, ecchymotic type; Ehlers Danlos syndrome, arterial type; Ehlers Danlos syndrome, Sack-Barabas type; Ehlers-Danlos Syndrome Type IV. Identifiers: Orphanet 286, MedGen C0268338, MONDO:0017314, OMIM 130050.

Allele frequency attached by ClinVar (database versions not stated): gnomAD exomes below 0.00001.
gnomAD v4.1: 2 of 1,607,350 alleles (0.00012%); highest among the groups gnomAD compares: South Asian, 0.0011%; no homozygotes.

Submission:

Labcorp Genetics (formerly Invitae), Labcorp
Classification: Pathogenic for Ehlers-Danlos syndrome, type 4. Last evaluated: 2019-08-22. Review status: criteria provided, single submitter. Criteria: Invitae Variant Classification Sherloc (09022015). Collection method: clinical testing. Allele origin: germline.
Comment: This sequence change replaces glycine with valine at codon 963 of the COL3A1 protein (p.Gly963Val). The glycine residue is moderately conserved and there is a moderate physicochemical difference between glycine and valine. This variant is not present in population databases (ExAC no frequency). This variant has not been reported in the literature in individuals with COL3A1-related conditions. Algorithms developed to predict the effect of missense changes on protein structure and function are either unavailable or do not agree on the potential impact of this missense change (SIFT: "Deleterious"; PolyPhen-2: "Probably Damaging"; Align-GVGD: "Class C0"). This variant disrupts the p.Gly963 amino acid residue in COL3A1. Other variant(s) that disrupt this residue have been observed in individuals with COL3A1-related conditions (PMID: 24922459, Invitae), which suggests that this may be a clinically significant amino acid residue. For these reasons, this variant has been classified as Pathogenic. Glycine residues within the Gly-Xaa-Yaa repeats of the triple helix domain are required for the structure and stability of fibrillar collagens (PMID: 7695699, 8218237, 19344236). In COL3A1, variants that affect these glycine residues are significantly enriched in individuals with disease (PMID: 24922459, 25758994) compared to the general population (ExAC).

Literature cited by the submitters: PubMed 24922459; PubMed 7695699; PubMed 8218237; PubMed 19344236; PubMed 25758994.

NM_000090.4(COL3A1):c.2888G>T (p.Gly963Val)

Gene: COL3A1 (collagen type III alpha 1 chain; plus strand). Cytogenetic location: 2q32.2.
Variant type: single nucleotide variant.
Coding change: c.2888G>T on transcript NM_000090.4 (MANE Select); coding-DNA position 2888, G replaced by T.
Protein change: p.Gly963Val; replaces glycine 963 with valine.
Molecular consequence: missense variant.
Genome position (GRCh38, 1-based): chr2:189,004,321, G>T. VCF-style: chr2-189004321-G-T. GRCh37 (hg19) VCF-style: chr2-189869047-G-T.
Other names: short protein forms G963V.
Identifiers: ClinVar variation 955493 (VCV000955493.10), dbSNP rs587779511, ClinGen allele CA349844574.